The following is an entry in ClinVar:

NM_004958.4(MTOR):c.936C>G (p.His312Gln)

Gene: MTOR (mechanistic target of rapamycin kinase; minus strand). Cytogenetic location: 1p36.22.
Variant type: single nucleotide variant.
Coding change: c.936C>G on transcript NM_004958.4 (MANE Select); coding-DNA position 936, C replaced by G.
Protein change: p.His312Gln; replaces histidine 312 with glutamine.
Molecular consequence: missense variant. On other transcripts: 5 prime UTR variant (1).
Genome position (GRCh38, 1-based): chr1:11,247,999, G>C on the plus strand (C>G on the coding strand, the complement: MTOR is on the minus strand). VCF-style: chr1-11247999-G-C. GRCh37 (hg19) VCF-style: chr1-11308056-G-C.
Other names: c.936C>G, p.His312Gln (NM_001386500.1); c.-204C>G (NM_001386501.1); short protein forms H312Q.
Identifiers: ClinVar variation 4874684 (VCV004874684.2).

ClinVar aggregate classification (germline): Uncertain significance (1 of 4 stars; one submission).

Submission:

CeGaT Center for Human Genetics Tuebingen
Classification: Uncertain significance. Last evaluated: 2026-04-01. Review status: criteria provided, single submitter. Criteria: CeGaT Center For Human Genetics Tuebingen Variant Classification Criteria Version 2. Collection method: clinical testing. Allele origin: germline. Affected: yes. Observed: 1 variant allele.
Comment: MTOR: PM2